The following is an entry in ClinVar:

NC_000017.11:g.7666228C>G

Variant type: single nucleotide variant.
Genome position: GRCh38 VCF-style: chr17-7666228-C-G. GRCh37 (hg19) VCF-style: chr17-7569546-C-G.
Identifiers: ClinVar variation 133418 (VCV000133418.2), dbSNP rs144366923, ClinGen allele CA000655.

ClinVar aggregate classification (germline): not provided (0 of 4 stars; one submission).

Submission:

ITMI
No classification provided. Condition: AllHighlyPenetrant. Last evaluated: 2013-09-19. Review status: no classification provided. Collection method: reference population. Allele origin: germline.
Comment: Please see associated publication for description of ethnicities

Literature cited by the submitters: PubMed 24728327.